The following is an entry in ClinVar:

NM_198334.3(GANAB):c.1795G>T (p.Val599Phe)

Gene: GANAB (glucosidase II alpha subunit; minus strand). Cytogenetic location: 11q12.3.
Variant type: single nucleotide variant.
Coding change: c.1795G>T on transcript NM_198334.3 (MANE Select); coding-DNA position 1795, G replaced by T.
Protein change: p.Val599Phe; replaces valine 599 with phenylalanine.
Molecular consequence: missense variant.
Genome position (GRCh38, 1-based): chr11:62,629,627, C>A on the plus strand (G>T on the coding strand, the complement: GANAB is on the minus strand). VCF-style: chr11-62629627-C-A. GRCh37 (hg19) VCF-style: chr11-62397099-C-A.
Other names: c.1519G>T, p.Val507Phe (NM_001278192.2); c.1453G>T, p.Val485Phe (NM_001278193.2); c.1504G>T, p.Val502Phe (NM_001278194.2, NM_001329222.2, NM_001329223.2); c.1072G>T, p.Val358Phe (NM_001329224.2, NM_001329225.2); c.1861G>T, p.Val621Phe (NM_198335.4); short protein forms V358F, V485F, V502F, V507F, V599F, V621F.
Identifiers: ClinVar variation 4975803 (VCV004975803.1).

ClinVar aggregate classification (germline): Uncertain significance (1 of 4 stars; one submission).

Submission:

GeneDx
Classification: Uncertain significance. Last evaluated: 2026-01-27. Review status: criteria provided, single submitter. Criteria: GeneDx Variant Classification Process June 2021. Collection method: clinical testing. Allele origin: germline.
Comment: Not observed at significant frequency in large population cohorts (gnomAD); In silico analysis supports that this missense variant has a deleterious effect on protein structure/function; Has not been previously published as pathogenic or benign to our knowledge